The following is an entry in ClinVar:

NM_001378454.1(ALMS1):c.12268C>T (p.Gln4090Ter)

Genes: ALMS1 (ALMS1 centrosome and basal body associated protein; plus strand), LOC126806252 (BRD4-independent group 4 enhancer GRCh37_chr2:73828496-73829695; plus strand). Cytogenetic location: 2p13.1.
Variant type: single nucleotide variant.
Coding change: c.12268C>T on transcript NM_001378454.1 (MANE Select); coding-DNA position 12268, C replaced by T.
Protein change: p.Gln4090Ter; replaces glutamine 4090 with a stop codon.
Molecular consequence: nonsense.
Genome position (GRCh38, 1-based): chr2:73,602,338, C>T. VCF-style: chr2-73602338-C-T. GRCh37 (hg19) VCF-style: chr2-73829465-C-T.
Other names: c.12271C>T, p.Gln4091Ter (NM_015120.4); short protein forms Q4090*, Q4091*.
Identifiers: ClinVar variation 3357085 (VCV003357085.1).

ClinVar aggregate classification (germline): Uncertain significance (0 of 4 stars; one submission).

Conditions:
ALMS1-related disorder. Also called: ALMS1-related condition.

Submission:

PreventionGenetics, part of Exact Sciences
Classification: Uncertain significance for ALMS1-related condition. Last evaluated: 2024-09-04. Review status: no assertion criteria provided. Collection method: clinical testing. Allele origin: germline.
Comment: The ALMS1 c.12271C>T variant is predicted to result in the amino acid substitution p.Arg4091Cys. To our knowledge, this variant has not been reported in the literature. This variant is reported in 0.0080% of alleles in individuals of African descent in gnomAD. At this time, the clinical significance of this variant is uncertain due to the absence of conclusive functional and genetic evidence.